The following is an entry in ClinVar:

ClinVar aggregate classification (germline): Pathogenic (1 of 4 stars; one submission).

Conditions:
Hereditary nonpolyposis colorectal neoplasms. Identifiers: MedGen C0009405, MeSH D003123.

Submission:

Labcorp Genetics (formerly Invitae), Labcorp
Classification: Pathogenic for Hereditary nonpolyposis colorectal neoplasms. Last evaluated: 2023-05-04. Review status: criteria provided, single submitter. Criteria: Invitae Variant Classification Sherloc (09022015). Collection method: clinical testing. Allele origin: germline.
Comment: For these reasons, this variant has been classified as Pathogenic. This sequence change creates a premature translational stop signal (p.Arg1166Serfs*18) in the MSH6 gene. It is expected to result in an absent or disrupted protein product. Loss-of-function variants in MSH6 are known to be pathogenic (PMID: 18269114, 24362816). This variant is not present in population databases (gnomAD no frequency). This variant has not been reported in the literature in individuals affected with MSH6-related conditions.

Literature cited by the submitters: PubMed 18269114; PubMed 24362816.

NM_000179.3(MSH6):c.3498del (p.Arg1166fs)

Gene: MSH6 (mutS homolog 6; plus strand). Cytogenetic location: 2p16.3.
Variant type: Deletion.
Coding change: c.3498del on transcript NM_000179.3 (MANE Select); coding-DNA position 3498, one base deleted (G; older notation c.3498delG).
Protein change: p.Arg1166fs; shifts the reading frame from arginine 1166.
Molecular consequence: frameshift variant. On other transcripts: non-coding transcript variant (4).
Genome position (GRCh38, 1-based): chr2:47,804,969, G deleted; the last of 2 consecutive G bases (chr2:47,804,968-47,804,969); deleting either gives the same sequence. VCF-style (leftmost placement, unchanged base first): chr2-47804967-AG-A. GRCh37 (hg19) VCF-style: chr2-48032106-AG-A.
Other names: c.3330del, p.Arg1110fs (NM_001406826.1); c.3201del, p.Arg1067fs (NM_001406827.1, NM_001406828.1, NM_001406830.1 and 10 more transcripts); c.2592del, p.Arg864fs (NM_001406829.1, NM_001281493.2, NM_001281494.2 and 6 more transcripts); c.279del, p.Arg93fs (NM_001406831.1); c.345del, p.Arg115fs (NM_001406832.1); c.1443del, p.Arg481fs (NM_001407362.1); c.3108del, p.Arg1036fs (NM_001281492.2); c.3594del, p.Arg1198fs (NM_001406795.1, NM_001406802.1); and 7 more; short protein forms R1067fs, R1108fs, R1140fs, R864fs, R1036fs, R1110fs, R115fs, R1198fs.
Identifiers: ClinVar variation 2861851 (VCV002861851.3), dbSNP rs2530802402, ClinGen allele CA2739274373.
Genomic context (GRCh38, chr2:47,804,967, plus strand): 5'-CAGGCTGGCTTATTAGCTGTAATGGCCCAGATGGGTTGTTACGTCCCTGCTGAAGTGTGC[AG>A]GCTCACACCAATTGATAGAGTGTTTACTAGACTTGGTGCCTCAGACAGAATAATGTCAGG-3'